The following is an entry in ClinVar:

NM_014014.5(SNRNP200):c.4200G>T (p.Arg1400Ser)

Gene: SNRNP200 (small nuclear ribonucleoprotein U5 subunit 200; minus strand). Cytogenetic location: 2q11.2.
Variant type: single nucleotide variant.
Coding change: c.4200G>T on transcript NM_014014.5 (MANE Select); coding-DNA position 4200, G replaced by T.
Protein change: p.Arg1400Ser; replaces arginine 1400 with serine.
Molecular consequence: missense variant.
Genome position (GRCh38, 1-based): chr2:96,284,550, C>A on the plus strand (G>T on the coding strand, the complement: SNRNP200 is on the minus strand). VCF-style: chr2-96284550-C-A. GRCh37 (hg19) VCF-style: chr2-96950288-C-A.
Other names: short protein forms R1400S.
Identifiers: ClinVar variation 2154027 (VCV002154027.4), dbSNP rs965050012, ClinGen allele CA347668275.

ClinVar aggregate classification (germline): Uncertain significance (1 of 4 stars; one submission).

Allele frequency attached by ClinVar (database versions not stated): gnomAD 0.00001.
gnomAD v4.1: 2 of 1,613,986 alleles (0.00012%); highest among the groups gnomAD compares: Non-Finnish European, 0.00017%; no homozygotes.

Submission:

Labcorp Genetics (formerly Invitae), Labcorp
Classification: Uncertain significance. Last evaluated: 2022-05-25. Review status: criteria provided, single submitter. Criteria: Invitae Variant Classification Sherloc (09022015). Collection method: clinical testing. Allele origin: germline.
Comment: In summary, the available evidence is currently insufficient to determine the role of this variant in disease. Therefore, it has been classified as a Variant of Uncertain Significance. This sequence change replaces arginine, which is basic and polar, with serine, which is neutral and polar, at codon 1400 of the SNRNP200 protein (p.Arg1400Ser). Algorithms developed to predict the effect of missense changes on protein structure and function (SIFT, PolyPhen-2, Align-GVGD) all suggest that this variant is likely to be tolerated. This variant has not been reported in the literature in individuals affected with SNRNP200-related conditions. This variant is not present in population databases (gnomAD no frequency).